The following is an entry in ClinVar:

ClinVar aggregate classification (germline): Uncertain significance. Review status: criteria provided, multiple submitters, no conflicts (2 of 4 stars). 7 submissions from 7 submitters: Uncertain significance (6). 1 of the submissions does not count toward it. Last evaluated 2024-05-24.

Conditions:
Finnish congenital nephrotic syndrome (NPHS1). Also called: NEPHROTIC SYNDROME, TYPE 1. Identifiers: Orphanet 839, MedGen C0403399, MONDO:0009732, OMIM 256300.

Allele frequency attached by ClinVar (database versions not stated): gnomAD below 0.00001 and 0.00003; TOPMed 0.00002; gnomAD exomes 0.00007 and 0.00016; 1000 Genomes Project 30x 0.00016; 1000 Genomes Project 0.00020; ExAC 0.00021.
gnomAD v4.1: 111 of 1,614,022 alleles (0.0069%); highest among the groups gnomAD compares: South Asian, 0.11%; no homozygotes.

Submissions (7):

Fulgent Genetics
Classification: Uncertain significance for Finnish congenital nephrotic syndrome. Last evaluated: 2024-05-24. Review status: criteria provided, single submitter. Criteria: ACMG Guidelines, 2015. Collection method: clinical testing. Allele origin: germline.

GeneDx
Classification: Uncertain significance. Last evaluated: 2023-06-08. Review status: criteria provided, single submitter. Criteria: GeneDx Variant Classification Process June 2021. Collection method: clinical testing. Allele origin: germline. Affected: yes.
Comment: Reported with a second variant (phase unknown) in a patient with congential nephrotic syndrome in published literature (Weber et al., 2016); In silico analysis supports that this missense variant does not alter protein structure/function; This variant is associated with the following publications: (PMID: 22565185, 26248470)

Baylor Genetics
Classification: Uncertain significance for Finnish congenital nephrotic syndrome. Last evaluated: 2022-07-15. Review status: criteria provided, single submitter. Criteria: ACMG Guidelines, 2015. Collection method: clinical testing. Allele origin: unknown.

Myriad Genetics, Inc.
Classification: Uncertain significance for Finnish congenital nephrotic syndrome. Last evaluated: 2021-11-10. Review status: criteria provided, single submitter. Criteria: Myriad Women's Health Autosomal Recessive and X-Linked Classification Criteria (2021). Collection method: clinical testing. Allele origin: unknown.
Comment: NM_004646.3(NPHS1):c.3544A>G(T1182A) is a missense variant classified as a variant of uncertain significance in the context of nephrotic syndrome, NPHS1-related. T1182A has been observed in cases with relevant disease (PMID: 22565185, 26248470). Functional assessments of this variant are not available in the literature. T1182A has been observed in population frequency databases (gnomAD: SAS 0.1%). In summary, there is insufficient evidence to classify NM_004646.3(NPHS1):c.3544A>G(T1182A) as pathogenic or benign. Please note: this variant was assessed in the context of healthy population screening.

Labcorp Genetics (formerly Invitae), Labcorp
Classification: Uncertain significance. Last evaluated: 2021-09-01. Review status: criteria provided, single submitter. Criteria: Invitae Variant Classification Sherloc (09022015). Collection method: clinical testing. Allele origin: germline.
Comment: This sequence change replaces threonine with alanine at codon 1182 of the NPHS1 protein (p.Thr1182Ala). The threonine residue is weakly conserved and there is a small physicochemical difference between threonine and alanine. This variant is present in population databases (rs537783084, ExAC 0.1%). This missense change has been observed in individuals with steroid resistant nephrotic syndrome (PMID: 22565185, 26248470). ClinVar contains an entry for this variant (Variation ID: 496272). Algorithms developed to predict the effect of missense changes on protein structure and function output the following: SIFT: "Tolerated"; PolyPhen-2: "Benign"; Align-GVGD: "Class C0". The alanine amino acid residue is found in multiple mammalian species, which suggests that this missense change does not adversely affect protein function. In summary, the available evidence is currently insufficient to determine the role of this variant in disease. Therefore, it has been classified as a Variant of Uncertain Significance.

Women's Health and Genetics/Laboratory Corporation of America, LabCorp
Classification: Uncertain significance. Last evaluated: 2016-10-31. Review status: criteria provided, single submitter. Criteria: LabCorp Variant Classification Summary - May 2015. Collection method: clinical testing. Allele origin: germline.
Comment: Variant summary: The NPHS1 c.3544A>G (p.Thr1182Ala) variant involves the alteration of a non-conserved nucleotide and 4/5 in silico tools predict a benign outcome for this variant. However, there are no functional studies to confirm these prediction results. This variant is located in a region that binds with NPHS2 protein (UniProt). This variant was found in 25/121708 control chromosomes at a frequency of 0.0002054, which does not exceed the estimated maximal expected allele frequency of a pathogenic NPHS1 variant (0.0033541). This variant has been reported in two patients with nephrotic syndrome, one in homozygous state and other in compound heterozygousity with a novel variant p.Ser572Gly (Abid_2012, Weber_2016). Without additional segregational and functional studies the currently available genotype-phenotype and population data are not conclusive enough to establish the pathogenicity. Therefore, this variant has currently been classified as Variant of Uncertain Signficance (VUS).

Natera, Inc.
Classification: Uncertain significance for Finnish congenital nephrotic syndrome. Last evaluated: 2020-09-16. Review status: no assertion criteria provided. Collection method: clinical testing. Allele origin: germline. Not counted in ClinVar's aggregate classification.

Literature cited by the submitters: PubMed 22565185 (cited by Myriad Genetics, Inc. and Labcorp Genetics (formerly Invitae), Labcorp); PubMed 26248470 (cited by Myriad Genetics, Inc. and Labcorp Genetics (formerly Invitae), Labcorp).

NM_004646.4(NPHS1):c.3544A>G (p.Thr1182Ala)

Gene: NPHS1 (NPHS1 adhesion molecule, nephrin; minus strand). Cytogenetic location: 19q13.12.
Variant type: single nucleotide variant.
Coding change: c.3544A>G on transcript NM_004646.4 (MANE Select); coding-DNA position 3544, A replaced by G.
Protein change: p.Thr1182Ala; replaces threonine 1182 with alanine.
Molecular consequence: missense variant.
Genome position (GRCh38, 1-based): chr19:35,830,894, T>C on the plus strand (A>G on the coding strand, the complement: NPHS1 is on the minus strand). VCF-style: chr19-35830894-T-C. GRCh37 (hg19) VCF-style: chr19-36321796-T-C.
Other names: short protein forms T1182A.
Identifiers: ClinVar variation 496272 (VCV000496272.11), dbSNP rs537783084, ClinGen allele CA9389722.